The following is an entry in ClinVar:

NM_001267550.2(TTN):c.9770G>A (p.Arg3257His)

Gene: TTN (titin; minus strand). Cytogenetic location: 2q31.2.
Variant type: single nucleotide variant.
Coding change: c.9770G>A on transcript NM_001267550.2 (MANE Select); coding-DNA position 9770, G replaced by A.
Protein change: p.Arg3257His; replaces arginine 3257 with histidine.
Molecular consequence: missense variant.
Genome position (GRCh38, 1-based): chr2:178,764,745, C>T on the plus strand (G>A on the coding strand, the complement: TTN is on the minus strand). VCF-style: chr2-178764745-C-T. GRCh37 (hg19) VCF-style: chr2-179629472-C-T.
Other names: c.9770G>A, p.Arg3257His (NM_001256850.1, NM_133378.4, NM_133379.5); c.9632G>A, p.Arg3211His (NM_003319.4, NM_133432.3, NM_133437.4); short protein forms R3257H, R3211H.
Identifiers: ClinVar variation 535288 (VCV000535288.35), dbSNP rs535876380, ClinGen allele CA2004239.

ClinVar aggregate classification (germline): Uncertain significance. Review status: criteria provided, multiple submitters, no conflicts (2 of 4 stars). 7 submissions from 7 submitters: Uncertain significance (7). Last evaluated 2026-03-16.

Conditions:
Dilated cardiomyopathy 1G (CMD1G). Identifiers: Orphanet 154, MedGen C1858763, MONDO:0011400, OMIM 604145.
Autosomal recessive limb-girdle muscular dystrophy type 2J (LGMDR10). Also called: Limb-girdle muscular dystrophy, type 2J; MUSCULAR DYSTROPHY, LIMB-GIRDLE, AUTOSOMAL RECESSIVE 10. Identifiers: Orphanet 140922, MedGen C1837342, MONDO:0012127, OMIM 608807.
Myopathy, myofibrillar, 9, with early respiratory failure (MFM9). Also called: EDSTROM MYOPATHY; MYOPATHY, PROXIMAL, WITH EARLY RESPIRATORY MUSCLE INVOLVEMENT; Myopathy, distal, with early respiratory failure, autosomal dominant; Hereditary myopathy with early respiratory failure. Identifiers: Orphanet 178464, Orphanet 34521, MedGen C1863599, MONDO:0011362, OMIM 603689.
Tibial muscular dystrophy (TMD). Also called: UDD MYOPATHY; Tibial muscular dystrophy, tardive; Udd Distal Myopathy – Tibial Muscular Dystrophy. Identifiers: Orphanet 609, MedGen C1838244, MONDO:0010870, OMIM 600334.
Early-onset myopathy with fatal cardiomyopathy (CMYO5). Also called: Salih Myopathy; CONGENITAL MYOPATHY 5 WITH CARDIOMYOPATHY. Identifiers: Orphanet 289377, MedGen C2673677, MONDO:0012714, OMIM 611705. Disease mechanism: loss of function.
Hypertrophic cardiomyopathy 9. Also called: Familial hypertrophic cardiomyopathy 9. Identifiers: MedGen C1861065, MONDO:0013412, OMIM 613765.
TTN-related disorder. Also called: TTN-related disorders; TTN-related condition; TTN-related disease.
Cardiovascular phenotype. Identifiers: MedGen CN230736.

Allele frequency attached by ClinVar (database versions not stated): gnomAD 0.00001 and 0.00003; TOPMed 0.00002; ExAC 0.00003; gnomAD exomes 0.00003 and 0.00008; 1000 Genomes Project 0.00020; 1000 Genomes Project 30x 0.00031.
gnomAD v4.1: 114 of 1,614,032 alleles (0.0071%); highest among the groups gnomAD compares: Non-Finnish European, 0.009%; no homozygotes.

Submissions (7):

PreventionGenetics, part of Exact Sciences
Classification: Uncertain significance for TTN-related condition. Last evaluated: 2026-03-16. Review status: criteria provided, single submitter. Criteria: ACMG Guidelines, 2015. Collection method: clinical testing. Allele origin: germline.
Comment: The TTN c.9770G>A variant is predicted to result in the amino acid substitution p.Arg3257His. To our knowledge, this variant has not been reported in the literature. This variant is reported in 0.0087% of alleles in individuals of Latino descent in gnomAD. At this time, the clinical significance of this variant is uncertain due to the absence of conclusive functional and genetic evidence.

CeGaT Center for Human Genetics Tuebingen
Classification: Uncertain significance. Last evaluated: 2023-05-01. Review status: criteria provided, single submitter. Criteria: CeGaT Center For Human Genetics Tuebingen Variant Classification Criteria Version 2. Collection method: clinical testing. Allele origin: germline. Affected: yes. Observed: 1 variant allele.
Comment: TTN: PM2

Fulgent Genetics
Classification: Uncertain significance for Tibial muscular dystrophy; Myopathy, myofibrillar, 9, with early respiratory failure; Dilated cardiomyopathy 1G; Autosomal recessive limb-girdle muscular dystrophy type 2J; Early-onset myopathy with fatal cardiomyopathy; Hypertrophic cardiomyopathy 9. Last evaluated: 2021-10-15. Review status: criteria provided, single submitter. Criteria: ACMG Guidelines, 2015. Collection method: clinical testing. Allele origin: unknown.

Revvity Omics, Revvity
Classification: Uncertain significance. Last evaluated: 2021-02-15. Review status: criteria provided, single submitter. Criteria: ACMG Guidelines, 2015. Collection method: clinical testing. Allele origin: germline.

Athena Diagnostics
Classification: Uncertain significance. Last evaluated: 2018-07-19. Review status: criteria provided, single submitter. Criteria: Athena Diagnostics Criteria. Collection method: clinical testing. Allele origin: germline.

Ambry Genetics
Classification: Uncertain significance for Cardiovascular phenotype. Last evaluated: 2018-07-08. Review status: criteria provided, single submitter. Criteria: Ambry Variant Classification Scheme 2023. Collection method: clinical testing. Allele origin: germline.
Comment: The p.R3211H variant (also known as c.9632G>A), located in coding exon 40 of the TTN gene, results from a G to A substitution at nucleotide position 9632. The arginine at codon 3211 is replaced by histidine, an amino acid with highly similar properties. This amino acid position is highly conserved in available vertebrate species. In addition, the in silico prediction for this alteration is inconclusive. Since supporting evidence is limited at this time, the clinical significance of this alteration remains unclear.

Labcorp Genetics (formerly Invitae), Labcorp
Classification: Uncertain significance for Dilated cardiomyopathy 1G; Autosomal recessive limb-girdle muscular dystrophy type 2J. Last evaluated: 2017-11-14. Review status: criteria provided, single submitter. Criteria: Invitae Variant Classification Sherloc (09022015). Collection method: clinical testing. Allele origin: germline.